The following is an entry in ClinVar:

ClinVar aggregate classification (germline): Uncertain significance. Review status: criteria provided, multiple submitters, no conflicts (2 of 4 stars). 2 submissions from 2 submitters: Uncertain significance (2). Last evaluated 2025-01-25.

Conditions:
Myopathy, proximal, and ophthalmoplegia (CMYO6). Also called: INCLUSION BODY MYOPATHY 3, AUTOSOMAL DOMINANT; MYOPATHY WITH CONGENITAL JOINT CONTRACTURES, OPHTHALMOPLEGIA, AND RIMMED VACUOLES; CONGENITAL MYOPATHY 6 WITH OPHTHALMOPLEGIA. Identifiers: Orphanet 363677, Orphanet 79091, MedGen C1854106, MONDO:0011577, OMIM 605637.

Submissions (2):

GeneDx
Classification: Uncertain significance. Last evaluated: 2025-01-25. Review status: criteria provided, single submitter. Criteria: GeneDx Variant Classification Process June 2021. Collection method: clinical testing. Allele origin: germline. Affected: yes.
Comment: Not observed at significant frequency in large population cohorts (gnomAD); In silico analysis supports that this missense variant has a deleterious effect on protein structure/function; Has not been previously published as pathogenic or benign to our knowledge

Labcorp Genetics (formerly Invitae), Labcorp
Classification: Uncertain significance for Myopathy, proximal, and ophthalmoplegia. Last evaluated: 2024-12-18. Review status: criteria provided, single submitter. Criteria: Invitae Variant Classification Sherloc (09022015). Collection method: clinical testing. Allele origin: germline.
Comment: This sequence change replaces glutamic acid, which is acidic and polar, with aspartic acid, which is acidic and polar, at codon 45 of the MYH2 protein (p.Glu45Asp). This variant is not present in population databases (gnomAD no frequency). This variant has not been reported in the literature in individuals affected with MYH2-related conditions. Invitae Evidence Modeling of protein sequence and biophysical properties (such as structural, functional, and spatial information, amino acid conservation, physicochemical variation, residue mobility, and thermodynamic stability) indicates that this missense variant is not expected to disrupt MYH2 protein function with a negative predictive value of 80%. In summary, the available evidence is currently insufficient to determine the role of this variant in disease. Therefore, it has been classified as a Variant of Uncertain Significance.

NM_017534.6(MYH2):c.135A>T (p.Glu45Asp)

Genes: MYH2 (myosin heavy chain 2; minus strand), MYHAS (myosin heavy chain gene cluster antisense RNA; plus strand). Cytogenetic location: 17p13.1.
Variant type: single nucleotide variant.
Coding change: c.135A>T on transcript NM_017534.6 (MANE Select); coding-DNA position 135, A replaced by T.
Protein change: p.Glu45Asp; replaces glutamic acid 45 with aspartic acid.
Molecular consequence: missense variant.
Genome position (GRCh38, 1-based): chr17:10,547,786, T>A on the plus strand (A>T on the coding strand, the complement: MYH2 is on the minus strand). VCF-style: chr17-10547786-T-A. GRCh37 (hg19) VCF-style: chr17-10451103-T-A.
Other names: c.135A>T, p.Glu45Asp (NM_001100112.2); c.135A>T (NM_017534.5); short protein forms E45D.
Identifiers: ClinVar variation 3705822 (VCV003705822.3).